The following is an entry in ClinVar:

NM_001039111.3(TRIM71):c.*3496T>C

Gene: TRIM71 (tripartite motif containing 71; plus strand). Cytogenetic location: 3p22.3.
Variant type: single nucleotide variant.
Coding change: c.*3496T>C on transcript NM_001039111.3 (MANE Select); 3496 bases downstream of the stop codon, T replaced by C.
Molecular consequence: 3 prime UTR variant.
Genome position (GRCh38, 1-based): chr3:32,895,307, T>C. VCF-style: chr3-32895307-T-C. GRCh37 (hg19) VCF-style: chr3-32936799-T-C.
Identifiers: ClinVar variation 3765779 (VCV003765779.1).

ClinVar aggregate classification (germline): Uncertain significance (1 of 4 stars; one submission).

Submission:

Greenwood Genetic Center Diagnostic Laboratories, Greenwood Genetic Center
Classification: Uncertain significance. Last evaluated: 2024-11-21. Review status: criteria provided, single submitter. Criteria: ACMG Guidelines, 2015. Collection method: clinical testing. Allele origin: germline. Affected: yes.
Comment: PS2, PM2, BP4